The following is an entry in ClinVar:

ClinVar aggregate classification (germline): Benign (1 of 4 stars; one submission).

Conditions:
Anemia, nonspherocytic hemolytic, due to G6PD deficiency (CNSHA1). Also called: ANEMIA, CONGENITAL, NONSPHEROCYTIC HEMOLYTIC, 1; Class I glucose-6-phosphate dehydrogenase deficiency; Favism, susceptibility to; Hemolytic anemia due to G6PD deficiency. Identifiers: Orphanet 466026, MedGen C2720289, MONDO:0010480, OMIM 300908.

Allele frequency attached by ClinVar (database versions not stated): gnomAD 0.09564; 1000 Genomes Project 30x 0.10593; 1000 Genomes Project 0.10093; TOPMed 0.10741.
gnomAD v4.1: 10,596 of 111,899 alleles (9.5%); highest among the groups gnomAD compares: African/African-American, 33%; 1,252 homozygotes.

Submission:

Dunham Lab, University of Washington
Classification: Benign for Anemia, nonspherocytic hemolytic, due to G6PD deficiency. Last evaluated: 2022-08-12. Review status: criteria provided, single submitter. Criteria: ACMG Guidelines, 2015. Collection method: curation. Allele origin: unknown.
Comment: Variant found at a frequency of over 9% in gnomAD (BA1).

NM_001360016.2(G6PD):c.120+3126T>C

Genes: G6PD (glucose-6-phosphate dehydrogenase; minus strand), IKBKG (inhibitor of nuclear factor kappa B kinase regulatory subunit gamma; plus strand), LOC108281126 (G6PD and IKBKG intron CAGE-defined low expression enhancer; plus strand). Cytogenetic location: Xq28.
Variant type: single nucleotide variant.
Coding change: c.120+3126T>C on transcript NM_001360016.2 (MANE Select); 3126 bases into the intron after coding-DNA position 120, T replaced by C.
Molecular consequence: intron variant.
Genome position (GRCh38, 1-based): chrX:154,542,910, A>G on the plus strand (T>C on the coding strand, the complement: G6PD is on the minus strand). VCF-style: chrX-154542910-A-G. GRCh37 (hg19) VCF-style: chrX-153771125-A-G.
Other names: c.210+3126T>C (NM_000402.4); c.120+3126T>C (NM_001042351.3); c.-16+1519A>G (NM_001377312.1, NM_001377313.1); c.189+458A>G (NM_001099856.6); c.-16+523A>G (NM_001321396.3).
Identifiers: ClinVar variation 1722722 (VCV001722722.2), dbSNP rs73573488, ClinGen allele CA337291196.